The following is an entry in ClinVar:

NM_000501.4(ELN):c.*548G>A

Gene: ELN (elastin; plus strand). Cytogenetic location: 7q11.23.
Variant type: single nucleotide variant.
Coding change: c.*548G>A on transcript NM_000501.4 (MANE Select); 548 bases downstream of the stop codon, G replaced by A.
Molecular consequence: 3 prime UTR variant.
Genome position (GRCh38, 1-based): chr7:74,069,248, G>A. VCF-style: chr7-74069248-G-A. GRCh37 (hg19) VCF-style: chr7-73483578-G-A.
Other names: c.*548G>A (NM_001081752.3, NM_001081753.3, NM_001081754.3 and 9 more transcripts).
Identifiers: ClinVar variation 360672 (VCV000360672.6), dbSNP rs117454480, ClinGen allele CA10629423.

ClinVar aggregate classification (germline): Benign. Review status: criteria provided, multiple submitters, no conflicts (2 of 4 stars). 3 submissions from 2 submitters: Benign (3). Last evaluated 2018-01-13.

Conditions:
Cutis laxa, autosomal dominant 1 (ADCL1). Also called: ELN-Related Cutis Laxa. Identifiers: Orphanet 90348, MedGen C3276539, MONDO:0007411, OMIM 123700. Disease mechanism: Dominant Negative.
Supravalvar aortic stenosis (SVAS). Also called: Supravalvar aortic stenosis, Eisenberg type. Identifiers: Orphanet 3193, MedGen C0003499, MONDO:0008504, OMIM 185500, HP:0004381.

Allele frequency attached by ClinVar (database versions not stated): 1000 Genomes Project 0.00419; 1000 Genomes Project 30x 0.00437; gnomAD exomes 0.00612; gnomAD 0.00696; TOPMed 0.00758.
gnomAD v4.1: 1,639 of 241,694 alleles (0.68%); highest among the groups gnomAD compares: Middle Eastern, 1.6%; 8 homozygotes.

Submissions (3):

Illumina Laboratory Services, Illumina
Classification: Benign for Supravalvar aortic stenosis. Last evaluated: 2018-01-13. Review status: criteria provided, single submitter. Criteria: ICSL Variant Classification Criteria 13 December 2019. Collection method: clinical testing. Allele origin: germline.
Comment: This variant was observed in the ICSL laboratory as part of a predisposition screen in an ostensibly healthy population. It had not been previously curated by ICSL or reported in the Human Gene Mutation Database (HGMD: prior to June 1st, 2018), and was therefore a candidate for classification through an automated scoring system. Utilizing variant allele frequency, disease prevalence and penetrance estimates, and inheritance mode, an automated score was calculated to assess if this variant is too frequent to cause the disease. Based on the score and internal cut-off values, a variant classified as benign is not then subjected to further curation. The score for this variant resulted in a classification of benign for this disease.

Illumina Laboratory Services, Illumina
Classification: Benign for Cutis laxa, autosomal dominant 1. Last evaluated: 2018-01-13. Review status: criteria provided, single submitter. Criteria: ICSL Variant Classification Criteria 13 December 2019. Collection method: clinical testing. Allele origin: germline.
Comment: the same text as in the submission from Illumina Laboratory Services, Illumina above.

Breakthrough Genomics
Classification: Benign. Review status: criteria provided, single submitter. Criteria: ACMG Guidelines, 2015. Collection method: not provided. Allele origin: germline. Inheritance: Autosomal dominant inheritance. Affected: yes.